The following is an entry in ClinVar:

ClinVar aggregate classification (germline): Benign (1 of 4 stars; one submission).

Conditions:
Pseudohypoparathyroidism type 1B (PHP1B). Also called: PHP IB; Pseudohypoparathyroidism Ib (PHP-Ib); Pseudohypoparathyroidism Type IB. Identifiers: Orphanet 94089, MedGen C1864100, MONDO:0011301, OMIM 603233.

Allele frequency attached by ClinVar (database versions not stated): gnomAD 0.00192 and 0.00211; 1000 Genomes Project 30x 0.00219; 1000 Genomes Project 0.00220; TOPMed 0.00242.

Submission:

Illumina Laboratory Services, Illumina
Classification: Benign for Pseudohypoparathyroidism type 1B. Last evaluated: 2018-01-12. Review status: criteria provided, single submitter. Criteria: ICSL Variant Classification Criteria 13 December 2019. Collection method: clinical testing. Allele origin: germline.
Comment: This variant was observed in the ICSL laboratory as part of a predisposition screen in an ostensibly healthy population. It had not been previously curated by ICSL or reported in the Human Gene Mutation Database (HGMD: prior to June 1st, 2018), and was therefore a candidate for classification through an automated scoring system. Utilizing variant allele frequency, disease prevalence and penetrance estimates, and inheritance mode, an automated score was calculated to assess if this variant is too frequent to cause the disease. Based on the score and internal cut-off values, a variant classified as benign is not then subjected to further curation. The score for this variant resulted in a classification of benign for this disease.

NM_001001433.3(STX16):c.*1797C>G

Genes: STX16 (syntaxin 16; plus strand), STX16-NPEPL1 (STX16-NPEPL1 readthrough (NMD candidate); plus strand). Cytogenetic location: 20q13.32.
Variant type: single nucleotide variant.
Coding change: c.*1797C>G on transcript NM_001001433.3 (MANE Select); 1797 bases downstream of the stop codon, C replaced by G.
Molecular consequence: 3 prime UTR variant. On other transcripts: non-coding transcript variant (3).
Genome position (GRCh38, 1-based): chr20:58,678,088, C>G. VCF-style: chr20-58678088-C-G. GRCh37 (hg19) VCF-style: chr20-57253144-C-G.
Other names: c.*1797C>G (NM_001134772.3, NM_001134773.3, NM_001204868.2 and 1 more transcripts).
Identifiers: ClinVar variation 339083 (VCV000339083.5), dbSNP rs148109645, ClinGen allele CA10644231.
Genomic context (GRCh38, chr20:58,678,088, plus strand): 5'-TGAGACTTCCGTAGCTGTTGAGAGTCACTGCAGGTGTTCTTTCATCCCATCTGATTTTAA[C>G]CCATGGTTGAGACGTTCCAAGTTAGATCTGCTGCTCTTAGGTGTGGGGCTGTCCACATTA-3'